The following is an entry in ClinVar:

ClinVar aggregate classification (germline): Likely benign (0 of 4 stars; one submission).

Conditions:
MUC16-related disorder. Also called: MUC16-related condition.

Allele frequency attached by ClinVar (database versions not stated): ExAC 0.00048; ESP Exome Variant Server 0.00132; 1000 Genomes Project 30x 0.00141; 1000 Genomes Project 0.00160; gnomAD 0.00169; TOPMed 0.00211.

Submission:

PreventionGenetics, part of Exact Sciences
Classification: Likely benign for MUC16-related condition. Last evaluated: 2019-12-23. Review status: no assertion criteria provided. Collection method: clinical testing. Allele origin: germline.
Comment: This variant is classified as likely benign based on ACMG/AMP sequence variant interpretation guidelines (Richards et al. 2015 PMID: 25741868, with internal and published modifications).

NM_001401501.2(MUC16):c.38959G>A (p.Ala12987Thr)

Gene: MUC16 (mucin 16, cell surface associated; minus strand). Cytogenetic location: 19p13.2.
Variant type: single nucleotide variant.
Coding change: c.38959G>A on transcript NM_001401501.2 (MANE Select); coding-DNA position 38959, G replaced by A.
Protein change: p.Ala12987Thr; replaces alanine 12987 with threonine.
Molecular consequence: missense variant.
Genome position (GRCh38, 1-based): chr19:8,900,784, C>T on the plus strand (G>A on the coding strand, the complement: MUC16 is on the minus strand). VCF-style: chr19-8900784-C-T. GRCh37 (hg19) VCF-style: chr19-9011460-C-T.
Other names: c.39385G>A, p.Ala13129Thr (NM_001414686.1); c.38839G>A, p.Ala12947Thr (NM_001414687.1); c.38773G>A, p.Ala12925Thr (NM_024690.2); short protein forms A12925T, A12947T, A12987T, A13129T.
Identifiers: ClinVar variation 3052320 (VCV003052320.2), dbSNP rs200734424, ClinGen allele CA9164377.